The following is an entry in ClinVar:

ClinVar aggregate classification (germline): Pathogenic. Review status: criteria provided, multiple submitters, no conflicts (2 of 4 stars). 9 submissions from 9 submitters: Pathogenic (6). 3 of the submissions do not count toward it. Last evaluated 2025-06-24.

Conditions:
TULP1-related disorder. Also called: TULP1-related disorders; TULP1-related condition.
Leber congenital amaurosis 15 (LCA15). Identifiers: Orphanet 65, MedGen C3151206, MONDO:0013457, OMIM 613843.
Abnormality of the eye. Identifiers: MedGen C4316870, HP:0000478.
Leber congenital amaurosis (LCA). Also called: Leber's amaurosis. Identifiers: Orphanet 65, MedGen C0339527, MeSH D057130, MONDO:0018998.
Retinitis pigmentosa 14 (RP14). Also called: RETINITIS PIGMENTOSA, JUVENILE, TULP1-RELATED. Identifiers: Orphanet 791, MedGen C1838603, MONDO:0010827, OMIM 600132.
Autosomal recessive retinitis pigmentosa. Identifiers: MedGen C0339526.

Allele frequency attached by ClinVar (database versions not stated): TOPMed 0.00001.

Submissions (9):

Labcorp Genetics (formerly Invitae), Labcorp
Classification: Pathogenic. Last evaluated: 2025-06-24. Review status: criteria provided, single submitter. Criteria: Invitae Variant Classification Sherloc (09022015). Collection method: clinical testing. Allele origin: germline.
Comment: This sequence change creates a premature translational stop signal (p.Gln301*) in the TULP1 gene. It is expected to result in an absent or disrupted protein product. Loss-of-function variants in TULP1 are known to be pathogenic (PMID: 8606774, 10549638, 15024725, 18055821). This variant is not present in population databases (gnomAD no frequency). This premature translational stop signal has been observed in individuals with autosomal recessive inherited retinal dystrophy (PMID: 18936139, 25342276). ClinVar contains an entry for this variant (Variation ID: 828151). For these reasons, this variant has been classified as Pathogenic.

Genomic Medicine Center of Excellence, King Faisal Specialist Hospital and Research Centre
Classification: Pathogenic for Leber congenital amaurosis 15. Last evaluated: 2024-03-17. Review status: criteria provided, single submitter. Criteria: ACMG Guidelines, 2015. Collection method: research. Allele origin: germline.

Blueprint Genetics
Classification: Pathogenic for TULP1-related disorders. Last evaluated: 2023-09-25. Review status: criteria provided, single submitter. Criteria: ACMG Guidelines, 2015. Collection method: clinical testing. Allele origin: germline. Affected: yes. Observed: 4 variant alleles.

Kariminejad - Najmabadi Pathology & Genetics Center
Classification: Pathogenic for Abnormality of the eye. Last evaluated: 2021-07-10. Review status: criteria provided, single submitter. Criteria: ACMG Guidelines, 2015. Collection method: clinical testing. Allele origin: germline. Affected: yes.

Institute of Medical Genetics and Applied Genomics, University Hospital Tübingen
Classification: Pathogenic. Last evaluated: 2021-02-01. Review status: criteria provided, single submitter. Criteria: ACMG Guidelines, 2015. Collection method: clinical testing. Allele origin: germline. Inheritance: Autosomal recessive inheritance. Affected: yes.

Women's Health and Genetics/Laboratory Corporation of America, LabCorp
Classification: Pathogenic for Leber congenital amaurosis. Last evaluated: 2020-07-02. Review status: criteria provided, single submitter. Criteria: LabCorp Variant Classification Summary - May 2015. Collection method: clinical testing. Allele origin: germline.
Comment: Variant summary: TULP1 c.901C>T (p.Gln301X) results in a premature termination codon, predicted to cause a truncation of the encoded protein or absence of the protein due to nonsense mediated decay, which are commonly known mechanisms for disease. The variant was absent in 249232 control chromosomes (gnomAD). c.901C>T has been reported in the compound heterozygous and homozygous state in numerous patients affected with Leber congenital amaurosis, Retinitis pigmentosa or Cone dystrophy (Li_2009, Abu-Safieh_2013, Khan_2015). These data indicate that the variant is very likely to be associated with disease. To our knowledge, no experimental evidence demonstrating an impact on protein function has been reported. Two ClinVar submitters (evaluation after 2014) cite the variant as pathogenic. Based on the evidence outlined above, the variant was classified as pathogenic.

Biochemical Molecular Genetic Laboratory, King Abdulaziz Medical City
Classification: Pathogenic for Retinitis pigmentosa 14. Last evaluated: 2020-02-05. Review status: no assertion criteria provided. Collection method: clinical testing. Allele origin: germline. Affected: yes. Not counted in ClinVar's aggregate classification.

Faculty of Health Sciences, Beirut Arab University
Classification: Pathogenic for Autosomal recessive Retinitis Pigmentosa. Last evaluated: 2015-09-10. Review status: no assertion criteria provided. Collection method: literature only. Allele origin: germline. Affected: yes. Observed: 60 variant alleles. Not counted in ClinVar's aggregate classification.

Laboratory of Genetics in Ophthalmology, Institut Imagine
Classification: Pathogenic for Leber congenital amaurosis 15. Review status: no assertion criteria provided. Collection method: research. Allele origin: inherited. Affected: yes. Observed: 1 variant allele. Not counted in ClinVar's aggregate classification.

Literature cited by the submitters: PubMed 8606774 (cited by Labcorp Genetics (formerly Invitae), Labcorp); PubMed 10549638 (cited by Labcorp Genetics (formerly Invitae), Labcorp); PubMed 15024725 (cited by Labcorp Genetics (formerly Invitae), Labcorp); PubMed 18055821 (cited by Labcorp Genetics (formerly Invitae), Labcorp); PubMed 18936139 (cited by 3 submitters); PubMed 25342276 (cited by 3 submitters); PubMed 23105016 (cited by Women's Health and Genetics/Laboratory Corporation of America, LabCorp and Faculty of Health Sciences, Beirut Arab University); PubMed 26355662 (cited by Faculty of Health Sciences, Beirut Arab University); PubMed 30054919 (cited by Faculty of Health Sciences, Beirut Arab University).

NM_003322.6(TULP1):c.901C>T (p.Gln301Ter)

Gene: TULP1 (TUB like protein 1; minus strand). Cytogenetic location: 6p21.31.
Variant type: single nucleotide variant.
Coding change: c.901C>T on transcript NM_003322.6 (MANE Select); coding-DNA position 901, C replaced by T.
Protein change: p.Gln301Ter; replaces glutamine 301 with a stop codon.
Molecular consequence: nonsense.
Genome position (GRCh38, 1-based): chr6:35,506,101, G>A on the plus strand (C>T on the coding strand, the complement: TULP1 is on the minus strand). VCF-style: chr6-35506101-G-A. GRCh37 (hg19) VCF-style: chr6-35473878-G-A.
Other names: c.742C>T, p.Gln248Ter (NM_001289395.2); short protein forms Q248*, Q301*.
Identifiers: ClinVar variation 828151 (VCV000828151.40), dbSNP rs201070350, ClinGen allele CA363780306.